The following is an entry in ClinVar:

ClinVar aggregate classification (germline): Uncertain significance (1 of 4 stars; one submission).

Conditions:
ERBB3-related disorder. Also called: ERBB3-related condition.

gnomAD v4.1: 57 of 1,614,058 alleles (0.0035%); highest among the groups gnomAD compares: Admixed American, 0.045%; no homozygotes.

Submission:

PreventionGenetics, part of Exact Sciences
Classification: Uncertain significance for ERBB3-related condition. Last evaluated: 2026-06-15. Review status: criteria provided, single submitter. Criteria: ACMG Guidelines, 2015. Collection method: clinical testing. Allele origin: germline.
Comment: The ERBB3 c.1163G>A variant is predicted to result in the amino acid substitution p.Arg388Gln. To our knowledge, this variant has not been reported in the literature. This variant is reported in 0.0085% of alleles in individuals of Latino descent in gnomAD. At this time, the clinical significance of this variant is uncertain due to the absence of conclusive functional and genetic evidence.

NM_001982.4(ERBB3):c.1163G>A (p.Arg388Gln)

Gene: ERBB3 (erb-b2 receptor tyrosine kinase 3; plus strand). Cytogenetic location: 12q13.2.
Variant type: single nucleotide variant.
Coding change: c.1163G>A on transcript NM_001982.4 (MANE Select); coding-DNA position 1163, G replaced by A.
Protein change: p.Arg388Gln; replaces arginine 388 with glutamine.
Molecular consequence: missense variant.
Genome position (GRCh38, 1-based): chr12:56,092,800, G>A. VCF-style: chr12-56092800-G-A. GRCh37 (hg19) VCF-style: chr12-56486584-G-A.
Other names: short protein forms R388Q.
Identifiers: ClinVar variation 4980560 (VCV004980560.1).